The following is an entry in ClinVar:

NM_000222.3(KIT):c.2361+4A>G

Gene: KIT (KIT proto-oncogene, receptor tyrosine kinase; plus strand). Cytogenetic location: 4q12.
Variant type: single nucleotide variant.
Coding change: c.2361+4A>G on transcript NM_000222.3 (MANE Select); 4 bases into the intron after coding-DNA position 2361, A replaced by G.
Molecular consequence: intron variant.
Genome position (GRCh38, 1-based): chr4:54,732,002, A>G. VCF-style: chr4-54732002-A-G. GRCh37 (hg19) VCF-style: chr4-55598168-A-G.
Other names: c.2364+4A>G (NM_001385284.1); c.2361+4A>G (NM_001385290.1); c.2352+4A>G (NM_001385288.1); c.2349+4A>G (NM_001385292.1, NM_001093772.2); c.2358+4A>G (NM_001385285.1); c.2346+4A>G (NM_001385286.1).
Identifiers: ClinVar variation 2000715 (VCV002000715.4), dbSNP rs763362744, ClinGen allele CA2923719.
Genomic context (GRCh38, chr4:54,732,002, plus strand): 5'-TTGCTGAGCTTTTCTTACCAGGTGGCAAAGGGCATGGCTTTCCTCGCCTCCAAGAATGTA[A>G]GTGGGAGTGATTCTCTAAAGAGTTTTGTGTTTTGTTTTTTTGATTTTTTTTTTTTTTTTT-3'

ClinVar aggregate classification (germline): Uncertain significance (1 of 4 stars; one submission).

Conditions:
Gastrointestinal stromal tumor. Also called: Gastrointestinal stroma tumor; Gastrointestinal stromal tumor, somatic. Identifiers: Orphanet 44890, MedGen C0238198, MeSH D046152, MONDO:0011719, OMIM 606764, HP:0100723.

Allele frequency attached by ClinVar (database versions not stated): gnomAD exomes below 0.00001; ExAC 0.00001.
gnomAD v4.1: 1 of 1,610,438 alleles (0.000062%); highest among the groups gnomAD compares: Admixed American, 0.0017%; no homozygotes.

Submission:

Labcorp Genetics (formerly Invitae), Labcorp
Classification: Uncertain significance for Gastrointestinal stromal tumor. Last evaluated: 2024-02-24. Review status: criteria provided, single submitter. Criteria: Invitae Variant Classification Sherloc (09022015). Collection method: clinical testing. Allele origin: germline.
Comment: This sequence change falls in intron 16 of the KIT gene. It does not directly change the encoded amino acid sequence of the KIT protein. It affects a nucleotide within the consensus splice site. This variant is present in population databases (rs763362744, gnomAD 0.003%). This variant has not been reported in the literature in individuals affected with KIT-related conditions. ClinVar contains an entry for this variant (Variation ID: 2000715). Variants that disrupt the consensus splice site are a relatively common cause of aberrant splicing (PMID: 17576681, 9536098). Algorithms developed to predict the effect of sequence changes on RNA splicing suggest that this variant may disrupt the consensus splice site. In summary, the available evidence is currently insufficient to determine the role of this variant in disease. Therefore, it has been classified as a Variant of Uncertain Significance.

Literature cited by the submitters: PubMed 17576681; PubMed 9536098.